The following is an entry in ClinVar:

ClinVar aggregate classification (germline): Benign/Likely benign. Review status: criteria provided, multiple submitters, no conflicts (2 of 4 stars). 3 submissions from 3 submitters: Benign (1); Likely benign (2). Last evaluated 2025-06-12.

Conditions:
Chuvash polycythemia. Also called: POLYCYTHEMIA, VHL-DEPENDENT. Identifiers: Orphanet 238557, MedGen C1837915, MONDO:0009892, OMIM 263400.
Von Hippel-Lindau syndrome (VHLS). Also called: Von Hippel-Lindau; VHL syndrome; von Hippel–Lindau syndrome. Identifiers: Orphanet 892, MedGen C0019562, MONDO:0008667, OMIM 193300. Disease mechanism: loss of function.
Hereditary cancer-predisposing syndrome. Also called: Neoplastic Syndromes, Hereditary; Hereditary neoplastic syndrome; Tumor predisposition; Hereditary Cancer Syndrome. Identifiers: Orphanet 140162, MedGen C0027672, MeSH D009386, MONDO:0015356.

Allele frequency attached by ClinVar (database versions not stated): gnomAD exomes below 0.00001.

Submissions (3):

Myriad Genetics, Inc.
Classification: Benign for Von Hippel-Lindau syndrome. Last evaluated: 2025-06-12. Review status: criteria provided, single submitter. Criteria: Myriad Autosomal Dominant, Autosomal Recessive and X-Linked Classification Criteria (2023). Collection method: clinical testing. Allele origin: unknown.
Comment: This variant is considered benign. This variant is a silent/synonymous amino acid change and it is not expected to impact splicing.

Labcorp Genetics (formerly Invitae), Labcorp
Classification: Likely benign for Von Hippel-Lindau syndrome; Chuvash polycythemia. Last evaluated: 2024-04-06. Review status: criteria provided, single submitter. Criteria: Invitae Variant Classification Sherloc (09022015). Collection method: clinical testing. Allele origin: germline.

Ambry Genetics
Classification: Likely benign for Hereditary cancer-predisposing syndrome. Last evaluated: 2019-05-20. Review status: criteria provided, single submitter. Criteria: Ambry Variant Classification Scheme 2023. Collection method: clinical testing. Allele origin: germline.

NM_000551.4(VHL):c.477A>G (p.Lys159=)

Genes: VHL (von Hippel-Lindau tumor suppressor; plus strand), LOC107303340 (3p25 von Hippel-Lindau tumor suppressor, E3 ubiquitin protein ligase Alu-mediated recombination region; plus strand). Cytogenetic location: 3p25.3.
Variant type: single nucleotide variant.
Coding change: c.477A>G on transcript NM_000551.4 (MANE Select); coding-DNA position 477, A replaced by G.
Protein change: p.Lys159=; no amino-acid change (lysine 159 retained).
Molecular consequence: synonymous variant. On other transcripts: 3 prime UTR variant (1).
Genome position (GRCh38, 1-based): chr3:10,149,800, A>G. VCF-style: chr3-10149800-A-G. GRCh37 (hg19) VCF-style: chr3-10191484-A-G.
Other names: c.*31A>G (NM_001354723.2); c.354A>G, p.Lys118= (NM_198156.3).
Identifiers: ClinVar variation 840330 (VCV000840330.11), dbSNP rs1696354920, ClinGen allele CA432423129.